The following is an entry in ClinVar:

ClinVar aggregate classification (germline): Likely benign (1 of 4 stars; one submission).

Allele frequency attached by ClinVar (database versions not stated): ExAC 0.00001; gnomAD 0.00001; gnomAD exomes 0.00001; TOPMed 0.00002.
gnomAD v4.1: 17 of 1,606,628 alleles (0.0011%); highest among the groups gnomAD compares: Non-Finnish European, 0.0014%; no homozygotes.

Submission:

CeGaT Center for Human Genetics Tuebingen
Classification: Likely benign. Last evaluated: 2023-07-01. Review status: criteria provided, single submitter. Criteria: CeGaT Center For Human Genetics Tuebingen Variant Classification Criteria Version 2. Collection method: clinical testing. Allele origin: germline. Affected: yes. Observed: 1 variant allele.
Comment: EIF3F: BP4, BP7

NM_003754.3(EIF3F):c.129A>C (p.Pro43=)

Gene: EIF3F (eukaryotic translation initiation factor 3 subunit F; plus strand). Cytogenetic location: 11p15.4.
Variant type: single nucleotide variant.
Coding change: c.129A>C on transcript NM_003754.3 (MANE Select); coding-DNA position 129, A replaced by C.
Protein change: p.Pro43=; no amino-acid change (proline 43 retained).
Molecular consequence: synonymous variant.
Genome position (GRCh38, 1-based): chr11:7,987,481, A>C. VCF-style: chr11-7987481-A-C. GRCh37 (hg19) VCF-style: chr11-8009028-A-C.
Identifiers: ClinVar variation 2641575 (VCV002641575.24), dbSNP rs753754616, ClinGen allele CA5870414.